The following is an entry in ClinVar:

NM_017947.4(MOCOS):c.4G>A (p.Ala2Thr)

Gene: MOCOS (molybdenum cofactor sulfurase; plus strand). Cytogenetic location: 18q12.2.
Variant type: single nucleotide variant.
Coding change: c.4G>A on transcript NM_017947.4 (MANE Select); coding-DNA position 4, G replaced by A.
Protein change: p.Ala2Thr; replaces alanine 2 with threonine.
Molecular consequence: missense variant.
Genome position (GRCh38, 1-based): chr18:36,187,543, G>A. VCF-style: chr18-36187543-G-A. GRCh37 (hg19) VCF-style: chr18-33767506-G-A.
Other names: short protein forms A2T.
Identifiers: ClinVar variation 2032938 (VCV002032938.3), dbSNP rs1026277944, ClinGen allele CA298708807.

ClinVar aggregate classification (germline): Uncertain significance (1 of 4 stars; one submission).

Conditions:
Xanthinuria type II. Also called: Xanthine dehydrogenase and aldehyde oxidase combined deficiency of; XDH and AOX dual deficiency. Identifiers: Orphanet 3467, Orphanet 93602, MedGen C1863688, MONDO:0011346, OMIM 603592.

Allele frequency attached by ClinVar (database versions not stated): gnomAD exomes below 0.00001.
gnomAD v4.1: 1 of 1,237,060 alleles (0.000081%); highest among the groups gnomAD compares: African/African-American, 0.0015%; no homozygotes.

Submission:

Labcorp Genetics (formerly Invitae), Labcorp
Classification: Uncertain significance for Xanthinuria type II. Last evaluated: 2022-01-28. Review status: criteria provided, single submitter. Criteria: Invitae Variant Classification Sherloc (09022015). Collection method: clinical testing. Allele origin: germline.
Comment: This sequence change replaces alanine, which is neutral and non-polar, with threonine, which is neutral and polar, at codon 2 of the MOCOS protein (p.Ala2Thr). This variant is not present in population databases (gnomAD no frequency). This variant has not been reported in the literature in individuals affected with MOCOS-related conditions. Algorithms developed to predict the effect of missense changes on protein structure and function (SIFT, PolyPhen-2, Align-GVGD) all suggest that this variant is likely to be tolerated. In summary, the available evidence is currently insufficient to determine the role of this variant in disease. Therefore, it has been classified as a Variant of Uncertain Significance.